The following is an entry in ClinVar:

NM_000465.4(BARD1):c.26_40del (p.4_8NRQPR[1])

Gene: BARD1 (BRCA1 associated RING domain 1; minus strand). Cytogenetic location: 2q35.
Variant type: Deletion.
Coding change: c.26_40del on transcript NM_000465.4 (MANE Select); coding-DNA positions 26 to 40, 15 bases deleted (ACCGGCAGCCGAGGA).
Protein change: p.4_8NRQPR[1].
Molecular consequence: inframe deletion. On other transcripts: non-coding transcript variant (3).
Genome position (GRCh38, 1-based): chr2:214,809,530-214,809,544, TCCTCGGCTGCCGGT deleted on the plus strand (ACCGGCAGCCGAGGA on the coding strand, the reverse complement: BARD1 is on the minus strand); deleting any 15 consecutive bases within chr2:214,809,530-214,809,557 gives the same sequence; the c. name uses the placement nearest the transcript's 3' end. VCF-style (leftmost placement, unchanged base first): chr2-214809529-ATCCTCGGCTGCCGGT-A. GRCh37 (hg19) VCF-style: chr2-215674253-ATCCTCGGCTGCCGGT-A.
Other names: c.26_40delACCGGCAGCCGAGGA (NM_000465.2, NM_000465.4); c.26_40del, p.4_8NRQPR[1] (NM_001282543.2, NM_001282545.2, NM_001282548.2 and 1 more transcripts); c.26_40del15 (NM_000465.3, NM_000465.4); c.26_40del (NM_000465.3).
Identifiers: ClinVar variation 141745 (VCV000141745.49), dbSNP rs587781979, ClinGen allele CA294186.

ClinVar aggregate classification (germline): Conflicting classifications of pathogenicity. Review status: criteria provided, conflicting classifications (1 of 4 stars). 17 submissions from 17 submitters: Uncertain significance (16); Likely benign (1). Last evaluated 2026-06-19.

Conditions:
BARD1-related cancer predisposition. Identifiers: MedGen CN377756, MONDO:0700267.
BARD1-related disorder. Also called: BARD1-related condition.
Hereditary cancer-predisposing syndrome. Also called: Tumor predisposition; Neoplastic Syndromes, Hereditary; Hereditary neoplastic syndrome; Hereditary Cancer Syndrome. Identifiers: Orphanet 140162, MedGen C0027672, MeSH D009386, MONDO:0015356.
Hereditary breast ovarian cancer syndrome. Also called: Hereditary breast and ovarian cancer syndrome; Hereditary breast and ovarian cancer; Hereditary breast and ovarian cancer syndrome (HBOC); Hereditary breast and/or ovarian cancer syndrome; BRCA1- and BRCA2-Associated Hereditary Breast and Ovarian Cancer; Breast and ovarian cancer. Identifiers: Orphanet 145, MedGen C0677776, MeSH D061325, MONDO:0003582. Disease mechanism: loss of function.
Familial cancer of breast. Also called: BREAST CANCER, FAMILIAL; Hereditary breast cancer; hereditary breast carcinoma. Identifiers: Orphanet 227535, MedGen C0346153, MONDO:0016419, OMIM 114480. Disease mechanism: loss of function.

Submissions 1 to 11 of 17:

PreventionGenetics, part of Exact Sciences
Classification: Uncertain significance for BARD1-related condition. Last evaluated: 2026-06-19. Review status: criteria provided, single submitter. Criteria: ACMG Guidelines, 2015. Collection method: clinical testing. Allele origin: germline.
Comment: The BARD1 c.26_40del15 variant is predicted to result in an in-frame deletion (p.Asn9_Arg13del). This variant has been reported in individuals undergoing hereditary cancer testing (example: Yurgelun et al. 2015. PubMed ID: 25980754, Subject ID 1086153107; Tsaousis et al. 2019. PubMed ID: 31159747, Table S5). This variant has been reported in the gnomAD public population database in 10 of ~232,000 alleles and is interpreted as uncertain significance and likely benign in ClinVar (Variation ID: 141745). At this time, the clinical significance of this variant is uncertain due to the absence of conclusive functional and genetic evidence.

Women's Health and Genetics/Laboratory Corporation of America, LabCorp
Classification: Uncertain significance. Last evaluated: 2026-02-13. Review status: criteria provided, single submitter. Criteria: LabCorp Variant Classification Summary - May 2015. Collection method: clinical testing. Allele origin: germline.
Comment: Variant summary: BARD1 c.26_40del15 (p.Asn9_Arg13del) results in an in-frame deletion that is predicted to remove five amino acids from the encoded protein. The variant allele was found at a frequency of 4e-05 in 200152 control chromosomes. The available data on variant occurrences in the general population are insufficient to allow any conclusion about variant significance. c.26_40del15 has been reported in individuals affected with colorectal cancer and/or polyps, breast and/or ovarian cancer and other cancers (e.g. Yurgelun_2015, Tsaousis_2019, Okawa_2023, Rodriguez-Hernandez_2025). These report(s) do not provide unequivocal conclusions about association of the variant with Hereditary Breast And Ovarian Cancer Syndrome. To our knowledge, no experimental evidence demonstrating an impact on protein function has been reported. The following publications have been ascertained in the context of this evaluation (PMID: 36243179, 40209283, 31159747, 25980754, 26580448). ClinVar contains an entry for this variant (Variation ID: 141745). Based on the evidence outlined above, the variant was classified as uncertain significance.

Labcorp Genetics (formerly Invitae), Labcorp
Classification: Uncertain significance for Familial cancer of breast. Last evaluated: 2026-01-25. Review status: criteria provided, single submitter. Criteria: Invitae Variant Classification Sherloc (09022015). Collection method: clinical testing. Allele origin: germline.
Comment: This variant, c.26_40del, results in the deletion of 5 amino acid(s) of the BARD1 protein (p.Asn9_Arg13del), but otherwise preserves the integrity of the reading frame. This variant is present in population databases (rs587781979, gnomAD 0.01%). This variant has been observed in individual(s) with clinical features of Lynch syndrome, and in an individual with acute lymphoblastic leukemia and personal or family history of breast and/or ovarian cancer, in an individual with clinical features of Lynch syndrome, and in an individual with acute lymphoblastic leukemia (PMID: 25980754, 26580448, 31159747). This variant is also known as R5_N9del. ClinVar contains an entry for this variant (Variation ID: 141745). Experimental studies and prediction algorithms are not available or were not evaluated, and the functional significance of this variant is currently unknown. In summary, the available evidence is currently insufficient to determine the role of this variant in disease. Therefore, it has been classified as a Variant of Uncertain Significance.

Center for Genomic Medicine, Rigshospitalet, Copenhagen University Hospital
Classification: Uncertain significance. Last evaluated: 2025-12-29. Review status: criteria provided, single submitter. Criteria: ACMG Guidelines, 2015. Collection method: clinical testing. Allele origin: germline.

Institute for Biomarker Research, Medical Diagnostic Laboratories, L.L.C.
Classification: Uncertain significance for Hereditary cancer-predisposing syndrome. Last evaluated: 2025-03-05. Review status: criteria provided, single submitter. Criteria: ACMG Guidelines, 2015. Collection method: clinical testing. Allele origin: germline.
Comment: The in-frame deletion NM_000465.4(BARD1):c.26_40delACCGGCAGCCGAGGA (p.Asn9_Arg13del) has not been reported previously as a pathogenic variant, to our knowledge. This variant results in a deletion of 5 amino acid residues starting at 9, including AsnArgGlnProArg. However, as this is an in-frame deletion, it is not expected to result in either a truncated protein product or loss of protein through nonsense-mediated mRNA decay. The p.Asn9_Arg13del variant is not in a repeat region. For these reasons, this variant has been classified as Uncertain Significance.

German Consortium for Hereditary Breast and Ovarian Cancer, University Hospital Cologne
Classification: Uncertain significance for Hereditary breast ovarian cancer syndrome. Last evaluated: 2025-02-18. Review status: criteria provided, single submitter. Criteria: ACMG Guidelines, 2015. Collection method: curation. Allele origin: germline.
Comment: This classification follows the ACMG SVI adaptation classification scheme

Ambry Genetics
Classification: Uncertain significance for Hereditary cancer-predisposing syndrome. Last evaluated: 2024-12-30. Review status: criteria provided, single submitter. Criteria: Ambry Variant Classification Scheme 2023. Collection method: clinical testing. Allele origin: germline.
Comment: The c.26_40del15 variant (also known as p.N9_R13del) is located in coding exon 1 of the BARD1 gene. This variant results from an in-frame deletion of 15 nucleotides at nucleotide positions 26 to 40. This results in the in-frame deletion of five amino acids at codons 9 to 13. This alteration has been reported in 1/1197 individuals from Greece, Romania, and Turkey undergoing evaluation for inherited cancer predisposition (Tsaousis GN et al. BMC Cancer, 2019 Jun;19:535). This amino acid region is not well conserved in available vertebrate species. In addition, this alteration is predicted to be neutral by in silico analysis (Choi Y et al. PLoS ONE. 2012; 7(10):e46688). Based on the available evidence, the clinical significance of this variant remains unclear.

Color Diagnostics, LLC DBA Color Health
Classification: Uncertain significance for Hereditary cancer-predisposing syndrome. Last evaluated: 2024-11-26. Review status: criteria provided, single submitter. Criteria: ACMG Guidelines, 2015. Collection method: clinical testing. Allele origin: germline.
Comment: This variant causes an in-frame deletion of five amino acids from the BARD1 protein in a region that is not known to encode important functional domains. To our knowledge, functional studies have not been reported for this variant. This variant has been reported in an individual affected with Lynch syndrome-associated cancer and/or polyps (PMID: 25980754). This variant has also been identified in 10/231508 chromosomes in the general population by the Genome Aggregation Database (gnomAD). The available evidence is insufficient to determine the role of this variant in disease conclusively. Therefore, this variant is classified as a Variant of Uncertain Significance.

Myriad Genetics, Inc.
Classification: Likely benign for Familial cancer of breast. Last evaluated: 2024-07-18. Review status: criteria provided, single submitter. Criteria: Myriad Autosomal Dominant, Autosomal Recessive and X-Linked Classification Criteria (2023). Collection method: clinical testing. Allele origin: unknown.
Comment: This variant is considered likely benign. This variant is strongly associated with less severe personal and family histories of cancer, typical for individuals without pathogenic variants in this gene [PMID: 25085752].

Baylor Genetics
Classification: Uncertain significance for Familial cancer of breast. Last evaluated: 2024-03-01. Review status: criteria provided, single submitter. Criteria: ACMG Guidelines, 2015. Collection method: clinical testing. Allele origin: unknown.

GeneDx
Classification: Uncertain significance. Last evaluated: 2023-10-23. Review status: criteria provided, single submitter. Criteria: GeneDx Variant Classification Process June 2021. Collection method: clinical testing. Allele origin: germline. Affected: yes.
Comment: In-frame deletion of 5 amino acids in a non-repeat region; In silico analysis supports that this variant does not alter protein structure/function; Observed in an individual with a Lynch syndrome-associated cancer and/or colon polyps, as well as individuals undergoing a multigene panel test for hereditary cancer risk and unaffected controls in a study of biliary tract cancer (PMID: 27720647, 31159747, 25980754, 36243179); This variant is associated with the following publications: (PMID: 27720647, 25980754, 31159747, 36243179)